The following is an entry in ClinVar:

ClinVar aggregate classification (germline): Uncertain significance (1 of 4 stars; one submission).

Conditions:
Fanconi anemia (FA). Also called: Fanconi's anemia. Identifiers: Orphanet 84, MedGen C0015625, MeSH D005199, MONDO:0019391.

gnomAD v4.1: 2 of 1,614,192 alleles (0.00012%); highest among the groups gnomAD compares: Non-Finnish European, 0.00017%; no homozygotes.

Submission:

Labcorp Genetics (formerly Invitae), Labcorp
Classification: Uncertain significance for Fanconi anemia. Last evaluated: 2021-06-26. Review status: criteria provided, single submitter. Criteria: Invitae Variant Classification Sherloc (09022015). Collection method: clinical testing. Allele origin: germline.
Comment: This sequence change replaces valine with alanine at codon 152 of the SLX4 protein (p.Val152Ala). The valine residue is weakly conserved and there is a small physicochemical difference between valine and alanine. This variant is not present in population databases (ExAC no frequency). This variant has not been reported in the literature in individuals with SLX4-related conditions. Algorithms developed to predict the effect of missense changes on protein structure and function output the following: SIFT: "Tolerated"; PolyPhen-2: "Benign"; Align-GVGD: "Class C0". The alanine amino acid residue is found in multiple mammalian species, suggesting that this missense change does not adversely affect protein function. These predictions have not been confirmed by published functional studies and their clinical significance is uncertain. In summary, the available evidence is currently insufficient to determine the role of this variant in disease. Therefore, it has been classified as a Variant of Uncertain Significance.

NM_032444.4(SLX4):c.455T>C (p.Val152Ala)

Gene: SLX4 (SLX4 structure-specific endonuclease subunit; minus strand). Cytogenetic location: 16p13.3.
Variant type: single nucleotide variant.
Coding change: c.455T>C on transcript NM_032444.4 (MANE Select); coding-DNA position 455, T replaced by C.
Protein change: p.Val152Ala; replaces valine 152 with alanine.
Molecular consequence: missense variant.
Genome position (GRCh38, 1-based): chr16:3,608,510, A>G on the plus strand (T>C on the coding strand, the complement: SLX4 is on the minus strand). VCF-style: chr16-3608510-A-G. GRCh37 (hg19) VCF-style: chr16-3658511-A-G.
Other names: short protein forms V152A.
Identifiers: ClinVar variation 1426464 (VCV001426464.8), dbSNP rs2151139133, ClinGen allele CA394547203.
Genomic context (GRCh38, chr16:3,608,510, plus strand): 5'-AGGTTTGGCGATGGTTCTTGCTGGTTACCCGTCTGGGTGTTTTGTGCTGTTTCCCGGAGC[A>G]CAGGTGGATCTGGAGCAGAGGCAAGCACACCCCCCTCCCCATTCACAGAGTGGGCCGGTT-3'
Protein context (NP_115820.2, residues 142-162): GVLASAPDPP[Val152Ala]LRETAQNTQT